The following is an entry in ClinVar:

NM_002730.4(PRKACA):c.376G>A (p.Gly126Ser)

Gene: PRKACA (protein kinase cAMP-activated catalytic subunit alpha; minus strand). Cytogenetic location: 19p13.12.
Variant type: single nucleotide variant.
Coding change: c.376G>A on transcript NM_002730.4 (MANE Select); coding-DNA position 376, G replaced by A.
Protein change: p.Gly126Ser; replaces glycine 126 with serine.
Molecular consequence: missense variant.
Genome position (GRCh38, 1-based): chr19:14,100,869, C>T on the plus strand (G>A on the coding strand, the complement: PRKACA is on the minus strand). VCF-style: chr19-14100869-C-T. GRCh37 (hg19) VCF-style: chr19-14211681-C-T.
Other names: c.604G>A, p.Gly202Ser (NM_001304349.2); c.352G>A, p.Gly118Ser (NM_207518.3); short protein forms G118S, G126S, G202S.
Identifiers: ClinVar variation 3347257 (VCV003347257.1).

ClinVar aggregate classification (germline): Uncertain significance (0 of 4 stars; one submission).

Conditions:
PRKACA-related disorder. Also called: PRKACA-related condition.

Submission:

PreventionGenetics, part of Exact Sciences
Classification: Uncertain significance for PRKACA-related condition. Last evaluated: 2024-05-25. Review status: no assertion criteria provided. Collection method: clinical testing. Allele origin: germline.
Comment: The PRKACA c.376G>A variant is predicted to result in the amino acid substitution p.Gly126Ser. To our knowledge, this variant has not been reported in the literature or in a large population database, indicating this variant is rare. At this time, the clinical significance of this variant is uncertain due to the absence of conclusive functional and genetic evidence.